The following is an entry in ClinVar:

NM_001029883.3(PCARE):c.845A>G (p.Asn282Ser)

Gene: PCARE (photoreceptor cilium actin regulator; minus strand). Cytogenetic location: 2p23.2.
Variant type: single nucleotide variant.
Coding change: c.845A>G on transcript NM_001029883.3 (MANE Select); coding-DNA position 845, A replaced by G.
Protein change: p.Asn282Ser; replaces asparagine 282 with serine.
Molecular consequence: missense variant.
Genome position (GRCh38, 1-based): chr2:29,073,417, T>C on the plus strand (A>G on the coding strand, the complement: PCARE is on the minus strand). VCF-style: chr2-29073417-T-C. GRCh37 (hg19) VCF-style: chr2-29296283-T-C.
Other names: short protein forms N282S.
Identifiers: ClinVar variation 1460898 (VCV001460898.8), dbSNP rs2148416699, ClinGen allele CA346481432.

ClinVar aggregate classification (germline): Uncertain significance (1 of 4 stars; one submission).

gnomAD v4.1: 1 of 1,614,074 alleles (0.000062%); highest among the groups gnomAD compares: Non-Finnish European, 0.000085%; no homozygotes.

Submission:

Labcorp Genetics (formerly Invitae), Labcorp
Classification: Uncertain significance. Last evaluated: 2021-03-25. Review status: criteria provided, single submitter. Criteria: Invitae Variant Classification Sherloc (09022015). Collection method: clinical testing. Allele origin: germline.
Comment: In summary, the available evidence is currently insufficient to determine the role of this variant in disease. Therefore, it has been classified as a Variant of Uncertain Significance. Algorithms developed to predict the effect of missense changes on protein structure and function output the following: SIFT: "Tolerated"; PolyPhen-2: "Benign"; Align-GVGD: "Class C0". The serine amino acid residue is found in multiple mammalian species, suggesting that this missense change does not adversely affect protein function. These predictions have not been confirmed by published functional studies and their clinical significance is uncertain. This variant has not been reported in the literature in individuals with PCARE-related conditions. This variant is not present in population databases (ExAC no frequency). This sequence change replaces asparagine with serine at codon 282 of the PCARE protein (p.Asn282Ser). The asparagine residue is moderately conserved and there is a small physicochemical difference between asparagine and serine.